The following is an entry in ClinVar:

NM_001852.4(COL9A2):c.1132A>G (p.Ile378Val)

Gene: COL9A2 (collagen type IX alpha 2 chain; minus strand). Cytogenetic location: 1p34.2.
Variant type: single nucleotide variant.
Coding change: c.1132A>G on transcript NM_001852.4 (MANE Select); coding-DNA position 1132, A replaced by G.
Protein change: p.Ile378Val; replaces isoleucine 378 with valine.
Molecular consequence: missense variant.
Genome position (GRCh38, 1-based): chr1:40,304,823, T>C on the plus strand (A>G on the coding strand, the complement: COL9A2 is on the minus strand). VCF-style: chr1-40304823-T-C. GRCh37 (hg19) VCF-style: chr1-40770495-T-C.
Other names: short protein forms I378V.
Identifiers: ClinVar variation 2003354 (VCV002003354.4), dbSNP rs2522502961, ClinGen allele CA339850957.
Genomic context (GRCh38, chr1:40,304,823, plus strand): 5'-CCGGGGAGGGGCCATTGTGCCAGGCACTTACCTTCTGTCCCATGATGCCCTGGGGACCAA[T>C]TTCTCCTCGAGGCCCTGGCTCTCCCTGGAGGAAGGAGAAATTGGGGCTAAGCGTTTGACC-3'
Protein context (NP_001843.1, residues 368-388): KEGEPGPRGE[Ile378Val]GPQGIMGQKG

ClinVar aggregate classification (germline): Uncertain significance (1 of 4 stars; one submission).

Submission:

Labcorp Genetics (formerly Invitae), Labcorp
Classification: Uncertain significance. Last evaluated: 2022-06-08. Review status: criteria provided, single submitter. Criteria: Invitae Variant Classification Sherloc (09022015). Collection method: clinical testing. Allele origin: germline.
Comment: This variant has not been reported in the literature in individuals affected with COL9A2-related conditions. In summary, the available evidence is currently insufficient to determine the role of this variant in disease. Therefore, it has been classified as a Variant of Uncertain Significance. Advanced modeling of protein sequence and biophysical properties (such as structural, functional, and spatial information, amino acid conservation, physicochemical variation, residue mobility, and thermodynamic stability) performed at Invitae indicates that this missense variant is not expected to disrupt COL9A2 protein function. This variant is not present in population databases (gnomAD no frequency). This sequence change replaces isoleucine, which is neutral and non-polar, with valine, which is neutral and non-polar, at codon 378 of the COL9A2 protein (p.Ile378Val).